The following is an entry in ClinVar:

NM_001382347.1(MYO5A):c.5347A>T (p.Lys1783Ter)

Gene: MYO5A (myosin VA; minus strand). Cytogenetic location: 15q21.2.
Variant type: single nucleotide variant.
Coding change: c.5347A>T on transcript NM_001382347.1 (MANE Select); coding-DNA position 5347, A replaced by T.
Protein change: p.Lys1783Ter; replaces lysine 1783 with a stop codon.
Molecular consequence: nonsense.
Genome position (GRCh38, 1-based): chr15:52,317,110, T>A on the plus strand (A>T on the coding strand, the complement: MYO5A is on the minus strand). VCF-style: chr15-52317110-T-A. GRCh37 (hg19) VCF-style: chr15-52609307-T-A.
Other names: c.5272A>T, p.Lys1758Ter (NM_000259.3); c.5191A>T, p.Lys1731Ter (NM_001142495.2); c.5419A>T, p.Lys1807Ter (NM_001382348.1); c.5344A>T, p.Lys1782Ter (NM_001382349.1); c.5263A>T, p.Lys1755Ter (NM_001411135.1); short protein forms K1731*, K1755*, K1758*, K1782*, K1783*, K1807*.
Identifiers: ClinVar variation 4884792 (VCV004884792.1).
Genomic context (GRCh38, chr15:52,317,110, plus strand): 5'-GGGCAGTAGTTAAAGCATTGCACATAGAACAAATGGCTTCTGCATCATCATCTGTTTTCT[T>A]TTTCACTTGCAAAAGTTGAGCAGCCTGAATGAGAGGTTCCAGGGTTTCTTTAGCCCCACT-3'

ClinVar aggregate classification (germline): Pathogenic (0 of 4 stars; one submission).

Conditions:
Griscelli syndrome type 1 (GS1). Also called: GRISCELLI SYNDROME WITH NEUROLOGIC IMPAIRMENT; GRISCELLI SYNDROME, CUTANEOUS AND NEUROLOGIC TYPE; PARTIAL ALBINISM AND PRIMARY NEUROLOGIC DISEASE WITHOUT HEMOPHAGOCYTIC SYNDROME. Identifiers: Orphanet 381, Orphanet 79476, MedGen C1859194, MONDO:0008962, OMIM 214450.

Submission:

Hong-Tao Li Lab, Institute of Brain Science and Brain-inspired Research, Shandong First Medical University & Shandong Academy of Medical Sciences China
Classification: Pathogenic for Griscelli syndrome type 1. Review status: no assertion criteria provided. Collection method: research. Allele origin: germline. Inheritance: Autosomal recessive inheritance. Affected: yes. Observed: 1 variant allele, 1 homozygote.
Comment: Observed in affected individuals from a Pakistani neurodevelopmental-disorder research cohort of 263 individuals. Classification assigned using the ACMG/AMP framework.